The following is an entry in ClinVar:

NM_138694.4(PKHD1):c.7734-27dup

Gene: PKHD1 (PKHD1 ciliary IPT domain containing fibrocystin/polyductin; minus strand). Cytogenetic location: 6p12.2.
Variant type: Duplication.
Coding change: c.7734-27dup on transcript NM_138694.4 (MANE Select); 27 bases into the intron before coding-DNA position 7734, one base duplicated (T; older notation c.7734-27dupT).
Molecular consequence: intron variant.
Genome position (GRCh38, 1-based): chr6:51,856,090, A duplicated on the plus strand (T on the coding strand, the reverse complement: PKHD1 is on the minus strand); the first of 8 consecutive A bases (chr6:51,856,090-51,856,097); duplicating any one gives the same sequence. VCF-style (leftmost placement, unchanged base first): chr6-51856089-G-GA. GRCh37 (hg19) VCF-style: chr6-51720887-G-GA.
Other names: p.?; c.7734-20dup (NM_138694.4); c.7734-27dup (NM_170724.3); c.7734-20dupT (NM_170724.2).
Identifiers: ClinVar variation 262797 (VCV000262797.16), dbSNP rs201176305, ClinGen allele CA3851851.

ClinVar aggregate classification (germline): Benign/Likely benign. Review status: criteria provided, multiple submitters, no conflicts (2 of 4 stars). 6 submissions from 6 submitters: Benign (3); Likely benign (3). Last evaluated 2026-02-02.

Conditions:
Autosomal recessive polycystic kidney disease (ARPKD). Also called: AR polycystic kidney disease. Identifiers: Orphanet 731, Orphanet 8378, MedGen C0085548, MeSH D017044, MONDO:0009889.

Submissions (6):

Labcorp Genetics (formerly Invitae), Labcorp
Classification: Benign for Autosomal recessive polycystic kidney disease. Last evaluated: 2026-02-02. Review status: criteria provided, single submitter. Criteria: Invitae Variant Classification Sherloc (09022015). Collection method: clinical testing. Allele origin: germline.

Mayo Clinic Laboratories, Mayo Clinic
Classification: Benign. Last evaluated: 2025-09-09. Review status: criteria provided, single submitter. Criteria: ACMG Guidelines, 2015. Collection method: clinical testing. Allele origin: germline. Observed: 3 variant alleles.
Comment: BS1, BS2

Blueprint Genetics
Classification: Likely benign. Last evaluated: 2024-10-22. Review status: criteria provided, single submitter. Criteria: ACMG Guidelines, 2015. Collection method: clinical testing. Allele origin: germline.

Women's Health and Genetics/Laboratory Corporation of America, LabCorp
Classification: Benign. Last evaluated: 2020-11-02. Review status: criteria provided, single submitter. Criteria: LabCorp Variant Classification Summary - May 2015. Collection method: clinical testing. Allele origin: germline.
Comment: Variant summary: PKHD1 c.7734-20dupT alters a non-conserved nucleotide located close to a canonical splice site and therefore could affect mRNA splicing, leading to a significantly altered protein sequence. 4/4 computational tools predict no significant impact on normal splicing. However, these predictions have yet to be confirmed by functional studies. The variant allele was found at a frequency of 0.0017 in 277466 control chromosomes, predominantly at a frequency of 0.011 within the African or African-American subpopulation in the gnomAD database, including 2 homozygotes. The observed variant frequency within African or African-American control individuals in the gnomAD database is approximately 1.6 fold of the estimated maximal expected allele frequency for a pathogenic variant in PKHD1 causing Polycystic Kidney And Hepatic Disease phenotype (0.0071), strongly suggesting that the variant is a benign polymorphism found primarily in populations of African or African-American origin. To our knowledge, no occurrence of c.7734-20dupT in individuals affected with Polycystic Kidney and Hepatic Disease and no experimental evidence demonstrating its impact on protein function have been reported. No clinical diagnostic laboratories have submitted clinical-significance assessments for this variant to ClinVar after 2014. Based on the evidence outlined above, the variant was classified as benign.

GeneDx
Classification: Likely benign. Last evaluated: 2019-10-06. Review status: criteria provided, single submitter. Criteria: GeneDx Variant Classification Process June 2021. Collection method: clinical testing. Allele origin: germline. Affected: yes.

PreventionGenetics, part of Exact Sciences
Classification: Likely benign. Review status: criteria provided, single submitter. Criteria: ACMG Guidelines, 2015. Collection method: clinical testing. Allele origin: germline.